The following is an entry in ClinVar:

NM_015662.3(IFT172):c.3573T>G (p.Ala1191=)

Genes: IFT172 (intraflagellar transport 172; minus strand), LOC126806173 (BRD4-independent group 4 enhancer GRCh37_chr2:27676057-27677256; plus strand). Cytogenetic location: 2p23.3.
Variant type: single nucleotide variant.
Coding change: c.3573T>G on transcript NM_015662.3 (MANE Select); coding-DNA position 3573, T replaced by G.
Protein change: p.Ala1191=; no amino-acid change (alanine 1191 retained).
Molecular consequence: synonymous variant.
Genome position (GRCh38, 1-based): chr2:27,454,120, A>C on the plus strand (T>G on the coding strand, the complement: IFT172 is on the minus strand). VCF-style: chr2-27454120-A-C. GRCh37 (hg19) VCF-style: chr2-27676987-A-C.
Other names: c.3507T>G, p.Ala1169= (NM_001410739.1).
Identifiers: ClinVar variation 3356644 (VCV003356644.1).

ClinVar aggregate classification (germline): Likely benign (0 of 4 stars; one submission).

Conditions:
IFT172-related disorder. Also called: IFT172-related disorders; IFT172-related condition.

Submission:

PreventionGenetics, part of Exact Sciences
Classification: Likely benign for IFT172-related condition. Last evaluated: 2019-04-09. Review status: no assertion criteria provided. Collection method: clinical testing. Allele origin: germline.
Comment: This variant is classified as likely benign based on ACMG/AMP sequence variant interpretation guidelines (Richards et al. 2015 PMID: 25741868, with internal and published modifications).